The following is an entry in ClinVar:

NM_020822.3(KCNT1):c.43C>A (p.Arg15=)

Gene: KCNT1 (potassium sodium-activated channel subfamily T member 1; plus strand). Cytogenetic location: 9q34.3.
Variant type: single nucleotide variant.
Coding change: c.43C>A on transcript NM_020822.3 (MANE Select); coding-DNA position 43, C replaced by A.
Protein change: p.Arg15=; no amino-acid change (arginine 15 retained).
Molecular consequence: synonymous variant.
Genome position (GRCh38, 1-based): chr9:135,702,301, C>A. VCF-style: chr9-135702301-C-A. GRCh37 (hg19) VCF-style: chr9-138594147-C-A.
Other names: c.43C>A, p.Arg15= (NM_001272003.2).
Identifiers: ClinVar variation 2659714 (VCV002659714.24), dbSNP rs1303750739, ClinGen allele CA467692934.

ClinVar aggregate classification (germline): Likely benign (1 of 4 stars; one submission).

Submission:

CeGaT Center for Human Genetics Tuebingen
Classification: Likely benign. Last evaluated: 2022-11-01. Review status: criteria provided, single submitter. Criteria: CeGaT Center For Human Genetics Tuebingen Variant Classification Criteria Version 2. Collection method: clinical testing. Allele origin: germline. Affected: yes. Observed: 1 variant allele.
Comment: KCNT1: PM2:Supporting, BP4, BP7